The following is an entry in ClinVar:

NM_001164508.2(NEB):c.23742+1G>A

Genes: NEB (nebulin; minus strand), RIF1 (replication timing regulatory factor 1; plus strand). Cytogenetic location: 2q23.3.
Variant type: single nucleotide variant.
Coding change: c.23742+1G>A on transcript NM_001164508.2 (MANE Select); the canonical splice donor site of the intron after coding-DNA position 23742, G replaced by A.
Molecular consequence: splice donor variant.
Genome position (GRCh38, 1-based): chr2:151,505,477, C>T on the plus strand (G>A on the coding strand, the complement: NEB is on the minus strand). VCF-style: chr2-151505477-C-T. GRCh37 (hg19) VCF-style: chr2-152361991-C-T.
Other names: c.18639+1G>A (NM_004543.5); c.23742+1G>A (NM_001164507.2); c.23847+1G>A (NM_001271208.2).
Identifiers: ClinVar variation 1804887 (VCV001804887.1), dbSNP rs2551969453, ClinGen allele CA348783008.

ClinVar aggregate classification (germline): Likely pathogenic (1 of 4 stars; one submission).

Conditions:
Nemaline myopathy 2 (NEM2). Also called: Nemaline myopathy 2, autosomal recessive. Identifiers: MedGen C1850569, MONDO:0009725, OMIM 256030.

Submission:

Victorian Clinical Genetics Services, Murdoch Childrens Research Institute
Classification: Likely pathogenic for Nemaline myopathy 2. Last evaluated: 2022-02-02. Review status: criteria provided, single submitter. Criteria: ACMG Guidelines, 2015. Collection method: clinical testing. Allele origin: germline. Inheritance: Autosomal recessive inheritance.
Comment: Based on the classification scheme VCGS_Germline_v1.3.4, this variant is classified as Likely Pathogenic. Following criteria are met: 0102 - Loss of function is a known mechanism of disease in this gene and is associated with nemaline myopathy 2, autosomal recessive (MIM#256030). (I) 0106 - This gene is associated with autosomal recessive disease. (I) 0211 - Canonical splice site variant without proven consequence on splicing (no functional evidence available). (SP) 0251 - This variant is heterozygous. (I) 0301 - Variant is absent from gnomAD (both v2 and v3). (SP) 0311 - An alternative nucleotide change at the same canonical splice site is present in gnomAD (v2: 11 heterozygotes, 0 homozygotes). (I) 0505 - Abnormal splicing is strongly predicted by an in silico tool and affected nucleotide is highly conserved (Splicing Diagnostics, Kids Neuroscience Centre), however accurate molecular outcome cannot be robustly predicted therefore this variant was curated as an in-frame deletion of exon 167 (the most conservative prediction of mis-splicing). (SP) 0708 - Another canonical splice site variant comparable to the one identified in this case has conflicting previous evidence for pathogenicity. c.23847+2T>C has been classified as both a VUS and Likely Pathogenic by diagnostic laboratories (ClinVar). (I) 0807 - This variant has no previous evidence of pathogenicity. (I) 0905 - No published segregation evidence has been identified for this variant. (I) 1007 - No published functional evidence has been identified for this variant, but this variant is likely to cause aberrant protein function and therefore be clinically significant (expert opinion at a national multidisciplinary meeting) (I) Legend: (SP) - Supporting pathogenic, (I) - Information, (SB) - Supporting benign